The following is an entry in ClinVar:

NM_004373.4(COX6A1):c.227A>G (p.His76Arg)

Gene: COX6A1 (cytochrome c oxidase subunit 6A1; plus strand). Cytogenetic location: 12q24.31.
Variant type: single nucleotide variant.
Coding change: c.227A>G on transcript NM_004373.4 (MANE Select); coding-DNA position 227, A replaced by G.
Protein change: p.His76Arg; replaces histidine 76 with arginine.
Molecular consequence: missense variant.
Genome position (GRCh38, 1-based): chr12:120,438,502, A>G. VCF-style: chr12-120438502-A-G. GRCh37 (hg19) VCF-style: chr12-120876305-A-G.
Other names: short protein forms H76R.
Identifiers: ClinVar variation 1481476 (VCV001481476.6), dbSNP rs762510923, ClinGen allele CA6828034.
Genomic context (GRCh38, chr12:120,438,502, plus strand): 5'-ATGTGTACCTGAAGTCGCACCACGGAGAGCACGAGAGACCCGAGTTCATCGCCTACCCCC[A>G]TCTCCGCATCAGGACCAAGGTACGCCCTTGTACATCTCTTCAAGCGTCCGTTCTCTTTTC-3'
Protein context (NP_004364.2, residues 66-86): HERPEFIAYP[His76Arg]LRIRTKPFPW

ClinVar aggregate classification (germline): Uncertain significance (1 of 4 stars; one submission).

Allele frequency attached by ClinVar (database versions not stated): gnomAD exomes below 0.00001; ExAC 0.00001.

Submission:

Labcorp Genetics (formerly Invitae), Labcorp
Classification: Uncertain significance. Last evaluated: 2021-11-30. Review status: criteria provided, single submitter. Criteria: Invitae Variant Classification Sherloc (09022015). Collection method: clinical testing. Allele origin: germline.
Comment: This sequence change replaces histidine, which is basic and polar, with arginine, which is basic and polar, at codon 76 of the COX6A1 protein (p.His76Arg). This variant is present in population databases (rs762510923, gnomAD 0.0009%). This variant has not been reported in the literature in individuals affected with COX6A1-related conditions. Algorithms developed to predict the effect of missense changes on protein structure and function (SIFT, PolyPhen-2, Align-GVGD) all suggest that this variant is likely to be tolerated. In summary, the available evidence is currently insufficient to determine the role of this variant in disease. Therefore, it has been classified as a Variant of Uncertain Significance.